The following is an entry in ClinVar:

ClinVar aggregate classification (germline): Pathogenic/Likely pathogenic. Review status: criteria provided, multiple submitters, no conflicts (2 of 4 stars). 12 submissions from 12 submitters: Pathogenic (8); Likely pathogenic (2). 2 of the submissions do not count toward it. Last evaluated 2026-07-01.

Conditions:
Cardiovascular phenotype. Identifiers: MedGen CN230736.
Ehlers-Danlos syndrome due to tenascin-X deficiency (EDSCLL1). Also called: EHLERS-DANLOS SYNDROME, CLASSIC-LIKE; Ehlers-Danlos syndrome, classic-like, 1; TNXB-Related Classical-Like Ehlers-Danlos Syndrome; TNX DEFICIENCY; EDS DUE TO TNX DEFICIENCY. Identifiers: Orphanet 230839, MedGen C1848029, MONDO:0011670, OMIM 606408.
TNXB-related disorder. Also called: TNXB-related condition.

Allele frequency attached by ClinVar (database versions not stated): gnomAD 0.00002 and 0.00003; gnomAD exomes 0.00002 and 0.00005; ExAC 0.00003; TOPMed 0.00003.

Submissions (12):

CeGaT Center for Human Genetics Tuebingen
Classification: Pathogenic. Last evaluated: 2026-07-01. Review status: criteria provided, single submitter. Criteria: CeGaT Center For Human Genetics Tuebingen Variant Classification Criteria Version 2. Collection method: clinical testing. Allele origin: germline. Affected: yes. Observed: 1 variant allele.
Comment: TNXB: PVS1, PM2, PM3:Supporting

Ambry Genetics
Classification: Pathogenic for Cardiovascular phenotype. Last evaluated: 2026-04-16. Review status: criteria provided, single submitter. Criteria: Ambry Variant Classification Scheme 2023. Collection method: clinical testing. Allele origin: germline.
Comment: The p.R821* pathogenic mutation (also known as c.2461C>T), located in coding exon 4 of the TNXB gene, results from a C to T substitution at nucleotide position 2461. This changes the amino acid from an arginine to a stop codon within coding exon 4. This variant has been reported to co-occur with other TNXB alterations in individuals with features of classic-like EDS (Demirdas S et al. Clin Genet, 2017 Mar;91:411-425; Green C et al. Genet Med, 2020 Oct;22:1576-1582). This variant is considered to be rare based on population cohorts in the Genome Aggregation Database (gnomAD). This variant is expected to result in loss of function by premature protein truncation or nonsense-mediated mRNA decay. As such, this variant is interpreted as a disease-causing mutation.

PreventionGenetics, part of Exact Sciences
Classification: Pathogenic for TNXB-related condition. Last evaluated: 2026-02-16. Review status: criteria provided, single submitter. Criteria: ACMG Guidelines, 2015. Collection method: clinical testing. Allele origin: germline.
Comment: The TNXB c.2461C>T variant is predicted to result in premature protein termination (p.Arg821*). This variant has been previously reported in the compound heterozygous state in individuals with Ehlers-Danlos syndrome (Demirdas et al. 2017. PubMed ID: 27582382; Supplementary Table S1, Green et al. 2020. PubMed ID: 32572181). This variant is reported in 0.0045% of alleles in individuals of European (Non-Finnish) descent in gnomAD. Nonsense variants in TNXB are expected to be pathogenic. This variant is interpreted as pathogenic for autosomal recessive classical-like Ehlers-Danlos syndrome (clEDS).

Mayo Clinic Laboratories, Mayo Clinic
Classification: Pathogenic. Last evaluated: 2025-06-06. Review status: criteria provided, single submitter. Criteria: ACMG Guidelines, 2015. Collection method: clinical testing. Allele origin: germline. Observed: 1 variant allele.
Comment: PP1, PM3, PVS1

Myriad Genetics, Inc.
Classification: Pathogenic for Ehlers-Danlos syndrome due to tenascin-X deficiency. Last evaluated: 2024-07-31. Review status: criteria provided, single submitter. Criteria: Myriad Autosomal Dominant, Autosomal Recessive and X-Linked Classification Criteria (2023). Collection method: clinical testing. Allele origin: unknown.
Comment: NM_019105.6(TNXB):c.2461C>T(R821*) is expected to be pathogenic in the context of classical-like Ehlers-Danlos syndrome, TNXB-related. This variant is predicted to lead to an abnormal or absent protein product due to the creation of a premature termination codon in TNXB, a gene where loss-of-function variants are known to be pathogenic. Please note: this variant was assessed in the context of healthy population screening.

Institute of Immunology and Genetics Kaiserslautern
Classification: Pathogenic for Ehlers-Danlos syndrome due to tenascin-X deficiency. Last evaluated: 2024-06-28. Review status: criteria provided, single submitter. Criteria: ACMG Guidelines, 2015. Collection method: clinical testing. Allele origin: germline.
Comment: ACMG Criteria: PVS1, PM3, PM2_P, PP5; Variant was found in heterozygous state (carrier status)

3billion
Classification: Pathogenic for Ehlers-Danlos syndrome due to tenascin-X deficiency. Last evaluated: 2023-10-17. Review status: criteria provided, single submitter. Criteria: ACMG Guidelines, 2015. Collection method: clinical testing. Allele origin: germline. Affected: yes.
Comment: The variant is observed at an extremely low frequency in the gnomAD v2.1.1 dataset (total allele frequency: 0.002%). Predicted Consequence/Location: Stop-gained (nonsense): predicted to result in a loss or disruption of normal protein function through nonsense-mediated decay (NMD) or protein truncation. Multiple pathogenic variants are reported downstream of the variant. The variant has been reported at least twice as pathogenic without evidence for the classification (ClinVar ID: VCV000373424 /PMID: 27582382). Therefore, this variant is classified as Pathogenic according to the recommendation of ACMG/AMP guideline.

Blueprint Genetics
Classification: Pathogenic for TNXB-related disorders. Last evaluated: 2023-10-17. Review status: criteria provided, single submitter. Criteria: ACMG Guidelines, 2015. Collection method: clinical testing. Allele origin: germline. Affected: yes. Observed: 5 variant alleles.

MGZ Medical Genetics Center
Classification: Likely pathogenic for Ehlers-Danlos syndrome due to tenascin-X deficiency. Last evaluated: 2022-02-16. Review status: criteria provided, single submitter. Criteria: ACMG Guidelines, 2015. Collection method: clinical testing. Allele origin: germline. Affected: yes. Observed: 1 variant allele.
Comment: ACMG criteria applied: PVS1, PM2_SUP

GeneDx
Classification: Likely pathogenic. Last evaluated: 2016-11-28. Review status: criteria provided, single submitter. Criteria: GeneDx Variant Classification (06012015). Collection method: clinical testing. Allele origin: germline. Affected: yes.
Comment: The R821X variant in the TNXB gene has been reported previously in two brothers with features of Ehlers-Danlos syndrome including joint hypermobility, joint dislocations, and velvety hyperextensible skin (Demiridas et al., 2016). Both individuals also harbored a second variant in TNXB however it was not clear from the report whether it was confirmed that these occurred on opposite alleles (in trans) (Demirdas et al., 2016). This variant is predicted to cause loss of normal protein function either through protein truncation or nonsense-mediated mRNA decay. The R821X variant was not observed in approximately 6100 individuals of European and African American ancestry in the NHLBI Exome Sequencing Project, indicating it is not a common benign variant in these populations. The R821X variant is a strong candidate for a pathogenic variant, however the possibility it may be a rare benign variant cannot be excluded.

Clinical Genetics DNA and cytogenetics Diagnostics Lab, Erasmus MC, Erasmus Medical Center
Classification: Pathogenic. Review status: no assertion criteria provided. Collection method: clinical testing. Allele origin: germline. Affected: yes. Study: VKGL Data-share Consensus. Not counted in ClinVar's aggregate classification.

Genome Diagnostics Laboratory, Amsterdam University Medical Center
Classification: Pathogenic. Review status: no assertion criteria provided. Collection method: clinical testing. Allele origin: germline. Affected: yes. Study: VKGL Data-share Consensus. Not counted in ClinVar's aggregate classification.

Literature cited by the submitters: PubMed 27582382 (cited by 3 submitters); PubMed 32572181 (cited by Ambry Genetics and Mayo Clinic Laboratories, Mayo Clinic).

NM_001365276.2(TNXB):c.2461C>T (p.Arg821Ter)

Gene: TNXB (tenascin XB; minus strand). Cytogenetic location: 6p21.33.
Variant type: single nucleotide variant.
Coding change: c.2461C>T on transcript NM_001365276.2 (MANE Select); coding-DNA position 2461, C replaced by T.
Protein change: p.Arg821Ter; replaces arginine 821 with a stop codon.
Molecular consequence: nonsense.
Genome position (GRCh38, 1-based): chr6:32,089,277, G>A on the plus strand (C>T on the coding strand, the complement: TNXB is on the minus strand). VCF-style: chr6-32089277-G-A. GRCh37 (hg19) VCF-style: chr6-32057054-G-A.
Other names: p.Arg821*; c.2461C>T, p.Arg821Ter (NM_019105.8); short protein forms R821*.
Identifiers: ClinVar variation 373424 (VCV000373424.15), dbSNP rs749890642, ClinGen allele CA3735480.
Genomic context (GRCh38, chr6:32,089,277, plus strand): 5'-TCTCACTGGTGGTGATGGTCTTGGAGGCAGGAAGGCCCCAGCTGGTCCCTCGAAGGGCTC[G>A]GACAGTGACCTGGTACTCCTGTCCAGGGGCCAGTCCTCTCTGGTCATAGGCTGAGGCAGA-3'